The following is an entry in ClinVar:

ClinVar aggregate classification (germline): Uncertain significance. Review status: criteria provided, multiple submitters, no conflicts (2 of 4 stars). 5 submissions from 5 submitters: Uncertain significance (5). Last evaluated 2025-07-13.

Conditions:
Cardiovascular phenotype. Identifiers: MedGen CN230736.
Long QT syndrome (LQTS). Identifiers: MedGen C0023976, MeSH D008133, MONDO:0002442. Disease mechanism: loss of function. Inheritance: Various modes of inheritance.
Cardiac arrhythmia. Also called: Arrhythmia; Cardiac rhythm disease. Identifiers: MedGen C0003811, MONDO:0007263, HP:0011675.

Allele frequency attached by ClinVar (database versions not stated): ExAC below 0.00001; gnomAD exomes 0.00001 and 0.00002; gnomAD 0.00002; TOPMed 0.00002.

Submissions (5):

Labcorp Genetics (formerly Invitae), Labcorp
Classification: Uncertain significance for Long QT syndrome. Last evaluated: 2025-07-13. Review status: criteria provided, single submitter. Criteria: Invitae Variant Classification Sherloc (09022015). Collection method: clinical testing. Allele origin: germline.
Comment: This sequence change replaces arginine, which is basic and polar, with glutamine, which is neutral and polar, at codon 1033 of the KCNH2 protein (p.Arg1033Gln). The frequency data for this variant in the population databases is considered unreliable, as metrics indicate poor data quality at this position in the gnomAD database. This variant has not been reported in the literature in individuals affected with KCNH2-related conditions. ClinVar contains an entry for this variant (Variation ID: 456920). An algorithm developed to predict the effect of missense changes on protein structure and function (PolyPhen-2) suggests that this variant is likely to be disruptive. In summary, the available evidence is currently insufficient to determine the role of this variant in disease. Therefore, it has been classified as a Variant of Uncertain Significance.

Ambry Genetics
Classification: Uncertain significance for Cardiovascular phenotype. Last evaluated: 2025-05-03. Review status: criteria provided, single submitter. Criteria: Ambry Variant Classification Scheme 2023. Collection method: clinical testing. Allele origin: germline.
Comment: The p.R1033Q variant (also known as c.3098G>A), located in coding exon 13 of the KCNH2 gene, results from a G to A substitution at nucleotide position 3098. The arginine at codon 1033 is replaced by glutamine, an amino acid with highly similar properties. This amino acid position is well conserved in available vertebrate species. In addition, the in silico prediction for this alteration is inconclusive. Based on the available evidence, the clinical significance of this variant remains unclear.

GeneDx
Classification: Uncertain significance. Last evaluated: 2024-12-31. Review status: criteria provided, single submitter. Criteria: GeneDx Variant Classification Process June 2021. Collection method: clinical testing. Allele origin: germline. Affected: yes.
Comment: Not observed at significant frequency in large population cohorts (gnomAD); In silico analysis indicates that this missense variant does not alter protein structure/function; Identified in a cohort of patients with HCM in published literature (PMID: 31199839); This variant is associated with the following publications: (PMID: 31199839)

All of Us Research Program, National Institutes of Health
Classification: Uncertain significance for Long QT syndrome. Last evaluated: 2024-09-23. Review status: criteria provided, single submitter. Criteria: ACMG Guidelines, 2015. Collection method: clinical testing. Allele origin: germline. Inheritance: Autosomal dominant inheritance. Observed: 4 variant alleles, 4 heterozygotes.
Comment: This missense variant replaces arginine with glutamine at codon 1033 of the KCNH2 protein. Computational prediction is inconclusive regarding the impact of this variant on protein structure and function (internally defined REVEL score threshold 0.5 < inconclusive < 0.7, PMID: 27666373). To our knowledge, functional studies have not been reported for this variant. This variant has not been reported in individuals affected with cardiovascular disorders in the literature. This variant has been identified in 1/145876 chromosomes in the general population by the Genome Aggregation Database (gnomAD). The available evidence is insufficient to determine the role of this variant in disease conclusively. Therefore, this variant is classified as a Variant of Uncertain Significance.

This study involves interpretation of variants in research participants for the purpose of population health screening. Participant phenotype was not available at the time of variant classification. Additional details can be found in publication PMID: 35346344, PMCID: PMC8962531

Color Diagnostics, LLC DBA Color Health
Classification: Uncertain significance for Cardiac arrhythmia. Last evaluated: 2024-03-06. Review status: criteria provided, single submitter. Criteria: ACMG Guidelines, 2015. Collection method: clinical testing. Allele origin: germline.
Comment: This missense variant replaces arginine with glutamine at codon 1033 of the KCNH2 protein. Computational prediction is inconclusive regarding the impact of this variant on protein structure and function (internally defined REVEL score threshold 0.5 < inconclusive < 0.7, PMID: 27666373). To our knowledge, functional studies have not been reported for this variant. This variant has not been reported in individuals affected with KCNH2-related disorders in the literature. This variant has been identified in 1/145876 chromosomes in the general population by the Genome Aggregation Database (gnomAD). The available evidence is insufficient to determine the role of this variant in disease conclusively. Therefore, this variant is classified as a Variant of Uncertain Significance.

NM_000238.4(KCNH2):c.3098G>A (p.Arg1033Gln)

Gene: KCNH2 (potassium voltage-gated channel subfamily H member 2; minus strand). Cytogenetic location: 7q36.1.
Variant type: single nucleotide variant.
Coding change: c.3098G>A on transcript NM_000238.4 (MANE Select); coding-DNA position 3098, G replaced by A.
Protein change: p.Arg1033Gln; replaces arginine 1033 with glutamine.
Molecular consequence: missense variant.
Genome position (GRCh38, 1-based): chr7:150,947,382, C>T on the plus strand (G>A on the coding strand, the complement: KCNH2 is on the minus strand). VCF-style: chr7-150947382-C-T. GRCh37 (hg19) VCF-style: chr7-150644470-C-T.
Other names: c.3098G>A (NM_000238.2); c.2078G>A, p.Arg693Gln (NM_172057.3); short protein forms R1033Q, R693Q.
Identifiers: ClinVar variation 456920 (VCV000456920.19), dbSNP rs750858069, ClinGen allele CA037004.